The following is an entry in ClinVar:

NM_000179.3(MSH6):c.3878C>G (p.Ala1293Gly)

Gene: MSH6 (mutS homolog 6; plus strand). Cytogenetic location: 2p16.3.
Variant type: single nucleotide variant.
Coding change: c.3878C>G on transcript NM_000179.3 (MANE Select); coding-DNA position 3878, C replaced by G.
Protein change: p.Ala1293Gly; replaces alanine 1293 with glycine.
Molecular consequence: missense variant.
Genome position (GRCh38, 1-based): chr2:47,806,528, C>G. VCF-style: chr2-47806528-C-G. GRCh37 (hg19) VCF-style: chr2-48033667-C-G.
Other names: c.3488C>G, p.Ala1163Gly (NM_001281492.2); c.2972C>G, p.Ala991Gly (NM_001281493.2, NM_001281494.2); short protein forms A1293G, A991G, A1163G.
Identifiers: ClinVar variation 1425169 (VCV001425169.13), dbSNP rs764835191, ClinGen allele CA072242.

ClinVar aggregate classification (germline): Conflicting classifications of pathogenicity. Review status: criteria provided, conflicting classifications (1 of 4 stars). 6 submissions from 6 submitters: Uncertain significance (5); Likely benign (1). Last evaluated 2025-07-23.

Conditions:
Hereditary cancer-predisposing syndrome. Also called: Tumor predisposition; Hereditary neoplastic syndrome; Neoplastic Syndromes, Hereditary; Hereditary Cancer Syndrome. Identifiers: Orphanet 140162, MedGen C0027672, MeSH D009386, MONDO:0015356.
Hereditary nonpolyposis colorectal neoplasms. Identifiers: MedGen C0009405, MeSH D003123.
Lynch syndrome. Identifiers: Orphanet 144, MedGen C4552100, MONDO:0005835. Disease mechanism: loss of function.
Endometrial carcinoma. Also called: Endometrial carcinoma, somatic. Identifiers: MedGen C0476089, MONDO:0002447, OMIM 608089, HP:0012114.

Allele frequency attached by ClinVar (database versions not stated): gnomAD exomes 0.00001; ExAC 0.00002.
gnomAD v4.1: 4 of 1,613,936 alleles (0.00025%); highest among the groups gnomAD compares: East Asian, 0.0022%; no homozygotes.

Submissions (6):

Color Diagnostics, LLC DBA Color Health
Classification: Uncertain significance for Hereditary cancer-predisposing syndrome. Last evaluated: 2025-07-23. Review status: criteria provided, single submitter. Criteria: ACMG Guidelines, 2015. Collection method: clinical testing. Allele origin: germline.
Comment: This missense variant replaces alanine with glycine at codon 1293 of the MSH6 protein. Computational prediction suggests that this variant may have deleterious impact on protein structure and function. To our knowledge, functional studies have not been reported for this variant. This variant has been reported in an individual suspected of Lynch syndrome in the literature (PMID: 27601186). This variant has been identified in 3/250706 chromosomes in the general population by the Genome Aggregation Database (gnomAD). The available evidence is insufficient to determine the role of this variant in disease conclusively. Therefore, this variant is classified as a Variant of Uncertain Significance.

All of Us Research Program, National Institutes of Health
Classification: Uncertain significance for Lynch syndrome. Last evaluated: 2024-01-11. Review status: criteria provided, single submitter. Criteria: ACMG Guidelines, 2015. Collection method: clinical testing. Allele origin: germline. Inheritance: Autosomal dominant inheritance. Observed: 1 variant allele, 1 heterozygote.
Comment: This study involves interpretation of variants in research participants for the purpose of population health screening. Participant phenotype was not available at the time of variant classification. Additional details can be found in publication PMID: 35346344, PMCID: PMC8962531

Baylor Genetics
Classification: Uncertain significance for Endometrial carcinoma. Last evaluated: 2023-06-02. Review status: criteria provided, single submitter. Criteria: ACMG Guidelines, 2015. Collection method: clinical testing. Allele origin: unknown.

Labcorp Genetics (formerly Invitae), Labcorp
Classification: Likely benign for Hereditary nonpolyposis colorectal neoplasms. Last evaluated: 2022-12-06. Review status: criteria provided, single submitter. Criteria: Invitae Variant Classification Sherloc (09022015). Collection method: clinical testing. Allele origin: germline.

Ambry Genetics
Classification: Uncertain significance for Hereditary cancer-predisposing syndrome. Last evaluated: 2022-03-29. Review status: criteria provided, single submitter. Criteria: Ambry Variant Classification Scheme 2023. Collection method: clinical testing. Allele origin: germline.
Comment: The p.A1293G variant (also known as c.3878C>G), located in coding exon 9 of the MSH6 gene, results from a C to G substitution at nucleotide position 3878. The alanine at codon 1293 is replaced by glycine, an amino acid with similar properties. This amino acid position is highly conserved in available vertebrate species. In addition, this alteration is predicted to be deleterious by in silico analysis. Since supporting evidence is limited at this time, the clinical significance of this alteration remains unclear.

Blueprint Genetics
Classification: Uncertain significance. Last evaluated: 2017-09-01. Review status: criteria provided, single submitter. Criteria: ACMG Guidelines, 2015. Collection method: clinical testing. Allele origin: germline.

Literature cited by the submitters: PubMed 27601186 (cited by Color Diagnostics, LLC DBA Color Health).